The following is an entry in ClinVar:

ClinVar aggregate classification (germline): Conflicting classifications of pathogenicity. Review status: criteria provided, conflicting classifications (1 of 4 stars). 3 submissions from 3 submitters: Uncertain significance (1); Likely benign (2). Last evaluated 2026-01-18.

Conditions:
Wiskott-Aldrich syndrome (WAS). Also called: Wiskott-aldrich syndrome, somatic; ALDRICH SYNDROME; IMMUNODEFICIENCY 2; WISKOTT-ALDRICH SYNDROME 1. Identifiers: Orphanet 906, MedGen C0043194, MONDO:0010518, OMIM 301000.
X-linked severe congenital neutropenia (SCNX). Identifiers: Orphanet 86788, MedGen C1845987, MONDO:0010294, OMIM 300299.
Thrombocytopenia 1. Also called: X-linked thrombocytopenia with normal platelets; X-Linked Thrombocytopenia (XLT); THROMBOCYTOPENIA, X-LINKED, 1. Identifiers: Orphanet 268322, Orphanet 852, MedGen C1839163, MONDO:0010743, OMIM 313900.
Inborn genetic diseases. Identifiers: MedGen C0950123, MeSH D030342.

Allele frequency attached by ClinVar (database versions not stated): gnomAD exomes below 0.00001; TOPMed 0.00003; gnomAD 0.00004.
gnomAD v4.1: 9 of 1,208,987 alleles (0.00074%); highest among the groups gnomAD compares: African/African-American, 0.016%; no homozygotes.

Submissions (3):

Labcorp Genetics (formerly Invitae), Labcorp
Classification: Uncertain significance for Wiskott-Aldrich syndrome; X-linked severe congenital neutropenia; Thrombocytopenia 1. Last evaluated: 2026-01-18. Review status: criteria provided, single submitter. Criteria: Invitae Variant Classification Sherloc (09022015). Collection method: clinical testing. Allele origin: germline.
Comment: This sequence change replaces aspartic acid, which is acidic and polar, with asparagine, which is neutral and polar, at codon 296 of the WAS protein (p.Asp296Asn). The frequency data for this variant in the population databases is considered unreliable, as metrics indicate poor data quality at this position in the gnomAD database. This variant has not been reported in the literature in individuals affected with WAS-related conditions. ClinVar contains an entry for this variant (Variation ID: 3189514). Invitae Evidence Modeling of protein sequence and biophysical properties (such as structural, functional, and spatial information, amino acid conservation, physicochemical variation, residue mobility, and thermodynamic stability) indicates that this missense variant is not expected to disrupt WAS protein function with a negative predictive value of 80%. In summary, the available evidence is currently insufficient to determine the role of this variant in disease. Therefore, it has been classified as a Variant of Uncertain Significance.

Fulgent Genetics
Classification: Likely benign for X-linked severe congenital neutropenia; Wiskott-Aldrich syndrome; Thrombocytopenia 1. Last evaluated: 2024-02-12. Review status: criteria provided, single submitter. Criteria: ACMG Guidelines, 2015. Collection method: clinical testing. Allele origin: germline.

Ambry Genetics
Classification: Likely benign for Inborn genetic diseases. Last evaluated: 2023-12-09. Review status: criteria provided, single submitter. Criteria: Ambry Variant Classification Scheme 2023. Collection method: clinical testing. Allele origin: germline.

NM_000377.3(WAS):c.886G>A (p.Asp296Asn)

Gene: WAS (WASP actin nucleation promoting factor; plus strand). Cytogenetic location: Xp11.23.
Variant type: single nucleotide variant.
Coding change: c.886G>A on transcript NM_000377.3 (MANE Select); coding-DNA position 886, G replaced by A.
Protein change: p.Asp296Asn; replaces aspartic acid 296 with asparagine.
Molecular consequence: missense variant.
Genome position (GRCh38, 1-based): chrX:48,688,408, G>A. VCF-style: chrX-48688408-G-A. GRCh37 (hg19) VCF-style: chrX-48546797-G-A.
Other names: short protein forms D296N.
Identifiers: ClinVar variation 3189514 (VCV003189514.3), dbSNP rs1186676831, ClinGen allele CA412872391.
Genomic context (GRCh38, chrX:48,688,408, plus strand): 5'-ATCAGCGAGGCCCAGCTCACCGACGCCGAGACCTCTAAACTTATCTACGACTTCATTGAG[G>A]ACCAGGGTGGGCTGGAGGCTGTGCGGCAGGAGATGAGGCGCCAGGGTGAGACCCTGCTTC-3'
Protein context (NP_000368.1, residues 286-306): TSKLIYDFIE[Asp296Asn]QGGLEAVRQE